The following is an entry in ClinVar:

NM_201384.3(PLEC):c.6134A>G (p.Lys2045Arg)

Gene: PLEC (plectin; minus strand). Cytogenetic location: 8q24.3.
Variant type: single nucleotide variant.
Coding change: c.6134A>G on transcript NM_201384.3 (MANE Select); coding-DNA position 6134, A replaced by G.
Protein change: p.Lys2045Arg; replaces lysine 2045 with arginine.
Molecular consequence: missense variant.
Genome position (GRCh38, 1-based): chr8:143,923,795, T>C on the plus strand (A>G on the coding strand, the complement: PLEC is on the minus strand). VCF-style: chr8-143923795-T-C. GRCh37 (hg19) VCF-style: chr8-144997963-T-C.
Other names: c.6215A>G, p.Lys2072Arg (NM_000445.5); c.6092A>G, p.Lys2031Arg (NM_201378.4); c.6068A>G, p.Lys2023Arg (NM_201379.3); c.6545A>G, p.Lys2182Arg (NM_201380.4); c.6038A>G, p.Lys2013Arg (NM_201381.3); c.6134A>G, p.Lys2045Arg (NM_201382.4); c.6146A>G, p.Lys2049Arg (NM_201383.3); short protein forms K2013R, K2031R, K2182R, K2045R, K2023R, K2049R, K2072R.
Identifiers: ClinVar variation 1488884 (VCV001488884.7), dbSNP rs782227177, ClinGen allele CA372538759.

ClinVar aggregate classification (germline): Uncertain significance. Review status: criteria provided, multiple submitters, no conflicts (2 of 4 stars). 2 submissions from 2 submitters: Uncertain significance (2). Last evaluated 2025-08-11.

Conditions:
Autosomal recessive limb-girdle muscular dystrophy type 2Q (LGMDR17). Also called: MUSCULAR DYSTROPHY, LIMB-GIRDLE, AUTOSOMAL RECESSIVE 17. Identifiers: Orphanet 254361, MedGen C3150989, MONDO:0013390, OMIM 613723.
Epidermolysis bullosa simplex 5B, with muscular dystrophy (EBS5B). Also called: EPIDERMOLYSIS BULLOSA SIMPLEX AND LIMB-GIRDLE MUSCULAR DYSTROPHY; Epidermolysis bullosa simplex with muscular dystrophy. Identifiers: Orphanet 257, MedGen C2931072, MONDO:0009181, OMIM 226670.
Epidermolysis bullosa simplex, Ogna type (EBS5A). Also called: Pidermolysis bullosa simplex 5A, Ogna type; EPIDERMOLYSIS BULLOSA SIMPLEX 5A, OGNA TYPE. Identifiers: Orphanet 79401, MedGen C0432317, MONDO:0007555, OMIM 131950.
Epidermolysis bullosa simplex 5C, with pyloric atresia (EBS5C). Also called: PLEC1-Related Epidermolysis Bullosa with Pyloric Atresia; PLEC-Related Epidermolysis Bullosa with Pyloric Atresia; Epidermolysis bullosa simplex with pyloric atresia. Identifiers: Orphanet 158684, MedGen C2677349, MONDO:0012807, OMIM 612138.
Epidermolysis bullosa simplex with nail dystrophy (EBS5D). Identifiers: MedGen C4225309, MONDO:0014661, OMIM 616487.

Submissions (2):

Labcorp Genetics (formerly Invitae), Labcorp
Classification: Uncertain significance for Autosomal recessive limb-girdle muscular dystrophy type 2Q; Epidermolysis bullosa simplex, Ogna type; Epidermolysis bullosa simplex with nail dystrophy; Epidermolysis bullosa simplex 5C, with pyloric atresia; Epidermolysis bullosa simplex 5B, with muscular dystrophy. Last evaluated: 2025-08-11. Review status: criteria provided, single submitter. Criteria: Invitae Variant Classification Sherloc (09022015). Collection method: clinical testing. Allele origin: germline.
Comment: This sequence change replaces lysine, which is basic and polar, with arginine, which is basic and polar, at codon 2072 of the PLEC protein (p.Lys2072Arg). This variant is not present in population databases (gnomAD no frequency). This variant has not been reported in the literature in individuals affected with PLEC-related conditions. ClinVar contains an entry for this variant (Variation ID: 1488884). An algorithm developed to predict the effect of missense changes on protein structure and function outputs the following: PolyPhen-2: "Benign". The arginine amino acid residue is found in multiple mammalian species, which suggests that this missense change does not adversely affect protein function. In summary, the available evidence is currently insufficient to determine the role of this variant in disease. Therefore, it has been classified as a Variant of Uncertain Significance.

Blueprint Genetics
Classification: Uncertain significance. Last evaluated: 2023-05-09. Review status: criteria provided, single submitter. Criteria: ACMG Guidelines, 2015. Collection method: clinical testing. Allele origin: germline.